The following is an entry in ClinVar:

ClinVar aggregate classification (germline): Uncertain significance (1 of 4 stars; one submission).

Conditions:
Multiple endocrine neoplasia, type 2 (MEN2). Identifiers: Orphanet 653, MedGen C4048306, MONDO:0019003. Disease mechanism: gain of function.

Submission:

Labcorp Genetics (formerly Invitae), Labcorp
Classification: Uncertain significance for Multiple endocrine neoplasia, type 2. Last evaluated: 2024-05-16. Review status: criteria provided, single submitter. Criteria: Invitae Variant Classification Sherloc (09022015). Collection method: clinical testing. Allele origin: germline.
Comment: This sequence change replaces serine, which is neutral and polar, with tyrosine, which is neutral and polar, at codon 409 of the RET protein (p.Ser409Tyr). This variant is not present in population databases (gnomAD no frequency). This missense change has been observed in individual(s) with medullary thyroid cancer (PMID: 31364476). It has also been observed to segregate with disease in related individuals. An algorithm developed to predict the effect of missense changes on protein structure and function (PolyPhen-2) suggests that this variant is likely to be tolerated. Experimental studies have shown that this missense change affects RET function (PMID: 31364476). In summary, the available evidence is currently insufficient to determine the role of this variant in disease. Therefore, it has been classified as a Variant of Uncertain Significance.

Literature cited by the submitters: PubMed 31364476.

NM_020975.6(RET):c.1226C>A (p.Ser409Tyr)

Gene: RET (ret proto-oncogene; plus strand). Cytogenetic location: 10q11.21.
Variant type: single nucleotide variant.
Coding change: c.1226C>A on transcript NM_020975.6 (MANE Select); coding-DNA position 1226, C replaced by A.
Protein change: p.Ser409Tyr; replaces serine 409 with tyrosine.
Molecular consequence: missense variant. On other transcripts: intron variant (18).
Genome position (GRCh38, 1-based): chr10:43,109,193, C>A. VCF-style: chr10-43109193-C-A. GRCh37 (hg19) VCF-style: chr10-43604641-C-A.
Other names: c.1226C>A, p.Ser409Tyr (NM_001406743.1, NM_001406744.1, NM_001406759.1 and 4 more transcripts); c.1097C>A, p.Ser366Tyr (NM_001406761.1, NM_001406762.1, NM_001406764.1 and 1 more transcripts); c.464C>A, p.Ser155Tyr (NM_001355216.2); c.236C>A, p.Ser79Tyr (NM_001406784.1); c.868-2014C>A (NM_001406772.1, NM_001406769.1); c.626-2906C>A (NM_001406782.1, NM_001406780.1, NM_001406779.1 and 3 more transcripts); c.739-2014C>A (NM_001406774.1); c.497-2906C>A (NM_001406786.1, NM_001406783.1); and 5 more; short protein forms S366Y, S167Y, S313Y, S155Y, S263Y, S409Y, S79Y.
Identifiers: ClinVar variation 3702852 (VCV003702852.2).
Genomic context (GRCh38, chr10:43,109,193, plus strand): 5'-TCTTGCTCCACTTCAACGTGTCGGTGCTGCCGGTCAGCCTGCACCTGCCCAGTACCTACT[C>A]CCTCTCCGTGAGCAGGAGGGCTCGCCGATTTGCCCAGGTGAGCCCATACCTATTGCCTGT-3'
Protein context (NP_066124.1, residues 399-419): PVSLHLPSTY[Ser409Tyr]LSVSRRARRF